The following is an entry in ClinVar:

NM_003504.5(CDC45):c.226A>C (p.Asn76His)

Gene: CDC45 (cell division cycle 45; plus strand). Cytogenetic location: 22q11.21.
Variant type: single nucleotide variant.
Coding change: c.226A>C on transcript NM_003504.5 (MANE Select); coding-DNA position 226, A replaced by C.
Protein change: p.Asn76His; replaces asparagine 76 with histidine.
Molecular consequence: missense variant. On other transcripts: non-coding transcript variant (1), intron variant (1).
Genome position (GRCh38, 1-based): chr22:19,482,711, A>C. VCF-style: chr22-19482711-A-C. GRCh37 (hg19) VCF-style: chr22-19470234-A-C.
Other names: c.226A>C, p.Asn76His (NM_001178010.2); c.190A>C, p.Asn64His (NM_001369291.1); c.205-1151A>C (NM_001178011.2); short protein forms N76H, N64H.
Identifiers: ClinVar variation 253099 (VCV000253099.2), dbSNP rs879255632, ClinGen allele CA10586197.

ClinVar aggregate classification (germline): Likely pathogenic. Review status: criteria provided, single submitter (1 of 4 stars). 2 submissions from 2 submitters: Likely pathogenic (1). 1 of the submissions does not count toward it. Last evaluated 2018-10-15.

Conditions:
Meier-Gorlin syndrome 7. Identifiers: Orphanet 2554, MedGen C4310738, MONDO:0014894, OMIM 617063. Disease mechanism: loss of function.

Allele frequency attached by ClinVar (database versions not stated): gnomAD exomes below 0.00001.
gnomAD v4.1: 3 of 1,613,346 alleles (0.00019%); highest among the groups gnomAD compares: Non-Finnish European, 0.00025%; no homozygotes.

Submissions (2):

SIB Swiss Institute of Bioinformatics
Classification: Likely pathogenic for Meier-Gorlin syndrome 7. Last evaluated: 2018-10-15. Review status: criteria provided, single submitter. Criteria: ACMG Guidelines, 2015. Collection method: curation. Allele origin: unknown.
Comment: This variant is interpreted as Likely Pathogenic, for Meier-Gorlin syndrome 7, autosomal recessive. The following ACMG Tag(s) were applied: PM2 => Absent from controls (or at extremely low frequency if recessive) in Exome Sequencing Project, 1000 Genomes Project, or Exome Aggregation Consortium. PP3 => Multiple lines of computational evidence support a deleterious effect on the gene or gene product. PS3 => Well-established functional studies show a deleterious effect (PubMed 27374770).

OMIM
Classification: Pathogenic for MEIER-GORLIN SYNDROME 7. Last evaluated: 2016-10-20. Review status: no assertion criteria provided. Collection method: literature only. Allele origin: germline. Not counted in ClinVar's aggregate classification.

Literature cited by the submitters: PubMed 27374770 (cited by SIB Swiss Institute of Bioinformatics and OMIM).